The following is an entry in ClinVar:

ClinVar aggregate classification (germline): Uncertain significance (1 of 4 stars; one submission).

Conditions:
Muscular dystrophy-dystroglycanopathy type B6 (MDDGB6). Also called: MUSCULAR DYSTROPHY, CONGENITAL, LARGE-RELATED; MUSCULAR DYSTROPHY, CONGENITAL, TYPE 1D; MUSCULAR DYSTROPHY-DYSTROGLYCANOPATHY (CONGENITAL WITH IMPAIRED INTELLECTUAL DEVELOPMENT), TYPE B, 6. Identifiers: MedGen C1837229, MONDO:0012138, OMIM 608840.

Allele frequency attached by ClinVar (database versions not stated): gnomAD 0.00001; gnomAD exomes 0.00001; TOPMed 0.00001; ExAC 0.00002.
gnomAD v4.1: 9 of 1,614,128 alleles (0.00056%); highest among the groups gnomAD compares: East Asian, 0.02%; no homozygotes.

Submission:

Labcorp Genetics (formerly Invitae), Labcorp
Classification: Uncertain significance for Muscular dystrophy-dystroglycanopathy type B6. Last evaluated: 2021-08-14. Review status: criteria provided, single submitter. Criteria: Invitae Variant Classification Sherloc (09022015). Collection method: clinical testing. Allele origin: germline.
Comment: This sequence change replaces lysine with glutamic acid at codon 552 of the LARGE1 protein (p.Lys552Glu). The lysine residue is moderately conserved and there is a small physicochemical difference between lysine and glutamic acid. This variant is present in population databases (rs764803042, ExAC 0.02%). This variant has not been reported in the literature in individuals affected with LARGE1-related conditions. Algorithms developed to predict the effect of missense changes on protein structure and function (SIFT, PolyPhen-2, Align-GVGD) all suggest that this variant is likely to be tolerated. In summary, the available evidence is currently insufficient to determine the role of this variant in disease. Therefore, it has been classified as a Variant of Uncertain Significance.

NM_133642.5(LARGE1):c.1654A>G (p.Lys552Glu)

Gene: LARGE1 (LARGE xylosyl- and glucuronyltransferase 1; minus strand). Cytogenetic location: 22q12.3.
Variant type: single nucleotide variant.
Coding change: c.1654A>G on transcript NM_133642.5 (MANE Select); coding-DNA position 1654, A replaced by G.
Protein change: p.Lys552Glu; replaces lysine 552 with glutamic acid.
Molecular consequence: missense variant.
Genome position (GRCh38, 1-based): chr22:33,304,305, T>C on the plus strand (A>G on the coding strand, the complement: LARGE1 is on the minus strand). VCF-style: chr22-33304305-T-C. GRCh37 (hg19) VCF-style: chr22-33700291-T-C.
Other names: c.1654A>G, p.Lys552Glu (NM_001362949.2, NM_001362951.2, NM_001362953.2 and 6 more transcripts); c.1498A>G, p.Lys500Glu (NM_001378629.1); c.1051A>G, p.Lys351Glu (NM_001378630.1); c.895A>G, p.Lys299Glu (NM_001378631.1); short protein forms K351E, K299E, K500E, K552E.
Identifiers: ClinVar variation 1435833 (VCV001435833.5), dbSNP rs764803042, ClinGen allele CA10202692.